The following is an entry in ClinVar:

ClinVar aggregate classification (germline): Uncertain significance. Review status: criteria provided, multiple submitters, no conflicts (2 of 4 stars). 2 submissions from 2 submitters: Uncertain significance (2). Last evaluated 2020-11-11.

Conditions:
Microcephaly, normal intelligence and immunodeficiency (NBS). Also called: IMMUNODEFICIENCY, MICROCEPHALY, AND CHROMOSOMAL INSTABILITY; Ataxia telangiectasia variant V1; Immunodeficiency, microcephaly with normal intelligence; SEEMANOVA SYNDROME II; Nijmegen breakage syndrome; Microcephaly with normal intelligence immunodeficiency and lymphoreticular malignancies. Identifiers: Orphanet 647, MedGen C0398791, MONDO:0009623, OMIM 251260.

Submissions (2):

Labcorp Genetics (formerly Invitae), Labcorp
Classification: Uncertain significance for Microcephaly, normal intelligence and immunodeficiency. Last evaluated: 2020-11-11. Review status: criteria provided, single submitter. Criteria: Invitae Variant Classification Sherloc (09022015). Collection method: clinical testing. Allele origin: germline.
Comment: This sequence change replaces lysine with arginine at codon 550 of the NBN protein (p.Lys550Arg). The lysine residue is weakly conserved and there is a small physicochemical difference between lysine and arginine. This variant is not present in population databases (ExAC no frequency). This variant has not been reported in the literature in individuals with NBN-related conditions. Algorithms developed to predict the effect of missense changes on protein structure and function output the following: SIFT: "Tolerated"; PolyPhen-2: "Benign"; Align-GVGD: "Class C0". The arginine amino acid residue is found in multiple mammalian species, suggesting that this missense change does not adversely affect protein function. These predictions have not been confirmed by published functional studies and their clinical significance is uncertain. In summary, the available evidence is currently insufficient to determine the role of this variant in disease. Therefore, it has been classified as a Variant of Uncertain Significance.

GeneDx
Classification: Uncertain significance. Last evaluated: 2020-11-03. Review status: criteria provided, single submitter. Criteria: GeneDx Variant Classification Process June 2021. Collection method: clinical testing. Allele origin: germline. Affected: yes.
Comment: Not observed in large population cohorts (Lek 2016); In silico analysis supports that this missense variant does not alter protein structure/function; Has not been previously published as pathogenic or benign to our knowledge

NM_002485.5(NBN):c.1649A>G (p.Lys550Arg)

Gene: NBN (nibrin; minus strand). Cytogenetic location: 8q21.3.
Variant type: single nucleotide variant.
Coding change: c.1649A>G on transcript NM_002485.5 (MANE Select); coding-DNA position 1649, A replaced by G.
Protein change: p.Lys550Arg; replaces lysine 550 with arginine.
Molecular consequence: missense variant.
Genome position (GRCh38, 1-based): chr8:89,953,440, T>C on the plus strand (A>G on the coding strand, the complement: NBN is on the minus strand). VCF-style: chr8-89953440-T-C. GRCh37 (hg19) VCF-style: chr8-90965668-T-C.
Other names: c.1403A>G, p.Lys468Arg (NM_001024688.3); short protein forms K468R, K550R.
Identifiers: ClinVar variation 1313656 (VCV001313656.9), dbSNP rs2129699455, ClinGen allele CA371655403.